The following is an entry in ClinVar:

NM_003722.5(TP63):c.944G>A (p.Gly315Glu)

Gene: TP63 (tumor protein p63; plus strand). Cytogenetic location: 3q28.
Variant type: single nucleotide variant.
Coding change: c.944G>A on transcript NM_003722.5 (MANE Select); coding-DNA position 944, G replaced by A.
Protein change: p.Gly315Glu; replaces glycine 315 with glutamic acid.
Molecular consequence: missense variant.
Genome position (GRCh38, 1-based): chr3:189,867,894, G>A. VCF-style: chr3-189867894-G-A. GRCh37 (hg19) VCF-style: chr3-189585683-G-A.
Other names: c.944G>A, p.Gly315Glu (NM_001114978.2, NM_001114979.2, NM_001329144.2 and 1 more transcripts); c.662G>A, p.Gly221Glu (NM_001114980.2, NM_001114981.2, NM_001114982.2 and 2 more transcripts); c.407G>A, p.Gly136Glu (NM_001329146.2, NM_001329150.2); c.938G>A, p.Gly313Glu (NM_001329964.2); short protein forms G136E, G221E, G313E, G315E.
Identifiers: ClinVar variation 2636258 (VCV002636258.1), dbSNP rs2474609250, ClinGen allele CA355754974.

ClinVar aggregate classification (germline): Likely pathogenic (1 of 4 stars; one submission).

Conditions:
TP63-related disorder. Also called: TP63-related condition; TP63-Related Disorders. Identifiers: MedGen CN380159.

Submission:

PreventionGenetics, part of Exact Sciences
Classification: Likely pathogenic for TP63-related condition. Last evaluated: 2023-07-20. Review status: criteria provided, single submitter. Criteria: ACMG Guidelines, 2015. Collection method: clinical testing. Allele origin: germline.
Comment: The TP63 c.944G>A variant is predicted to result in the amino acid substitution p.Gly315Glu. To our knowledge, this variant has not been reported in the literature or in a large population database, indicating this variant is rare. Another variant at this position (p.Gly315Trp) was reported in a family in which one individual presented with nonsyndromic split-hand/foot malformation confined to digits (29-II-2, Yamoto et al. 2019. PubMed ID: 31332306). This variant is interpreted as likely pathogenic.